The following is an entry in ClinVar:

NM_000665.5(ACHE):c.1033G>A (p.Ala345Thr)

Gene: ACHE (acetylcholinesterase (Yt blood group); minus strand). Cytogenetic location: 7q22.1.
Variant type: single nucleotide variant.
Coding change: c.1033G>A on transcript NM_000665.5 (MANE Select); coding-DNA position 1033, G replaced by A.
Protein change: p.Ala345Thr; replaces alanine 345 with threonine.
Molecular consequence: missense variant. On other transcripts: non-coding transcript variant (2).
Genome position (GRCh38, 1-based): chr7:100,893,200, C>T on the plus strand (G>A on the coding strand, the complement: ACHE is on the minus strand). VCF-style: chr7-100893200-C-T. GRCh37 (hg19) VCF-style: chr7-100490821-C-T.
Other names: c.1033G>A, p.Ala345Thr (NM_001282449.2, NM_001302621.3, NM_001302622.2 and 2 more transcripts); c.1234G>A, p.Ala412Thr (NM_001367918.1); c.1231G>A, p.Ala411Thr (NM_001367919.2); short protein forms A345T, A411T, A412T.
Identifiers: ClinVar variation 1049898 (VCV001049898.1), dbSNP rs2116000213, ClinGen allele CA368628292.

ClinVar aggregate classification (germline): Uncertain significance (0 of 4 stars; one submission).

gnomAD v4.1: 1 of 1,614,060 alleles (0.000062%); highest among the groups gnomAD compares: East Asian, 0.0022%; no homozygotes.

Submission:

Department of Pathology and Laboratory Medicine, Sinai Health System
Classification: Uncertain significance. Review status: no assertion criteria provided. Collection method: clinical testing. Allele origin: unknown. Affected: yes. Study: The Canadian Open Genetics Repository (COGR).
Comment: The ACHE p.Ala345Thr variant was not identified in the literature nor was it identified in the dbSNP, ClinVar, Cosmic, MutDB or LOVD 3.0 databases. The variant was not identified in the following control databases: the 1000 Genomes Project, the NHLBI GO Exome Sequencing Project, the Exome Aggregation Consortium (August 8th 2016), or the Genome Aggregation Database (Feb 27, 2017). The p.Ala345 residue is conserved in mammals but not in more distantly related organisms and computational analyses (PolyPhen-2, SIFT, AlignGVGD, BLOSUM, and MutationTaster) provide inconsistent predictions regarding the impact to the protein; this information is not very predictive of pathogenicity. In summary, based on the above information the clinical significance of this variant cannot be determined with certainty at this time. This variant is classified as a variant of uncertain significance.